The following is an entry in ClinVar:

NM_000171.4(GLRA1):c.801G>C (p.Trp267Cys)

Gene: GLRA1 (glycine receptor alpha 1; minus strand). Cytogenetic location: 5q33.1.
Variant type: single nucleotide variant.
Coding change: c.801G>C on transcript NM_000171.4 (MANE Select); coding-DNA position 801, G replaced by C.
Protein change: p.Trp267Cys; replaces tryptophan 267 with cysteine.
Molecular consequence: missense variant.
Genome position (GRCh38, 1-based): chr5:151,851,501, C>G on the plus strand (G>C on the coding strand, the complement: GLRA1 is on the minus strand). VCF-style: chr5-151851501-C-G. GRCh37 (hg19) VCF-style: chr5-151231062-C-G.
Other names: G1097C; c.801G>C, p.Trp267Cys (NM_001146040.2); c.552G>C, p.Trp184Cys (NM_001292000.2); short protein forms W267C, W184C.
Identifiers: ClinVar variation 38330 (VCV000038330.3), dbSNP rs281864917, ClinGen allele CA342956.

ClinVar aggregate classification (germline): Pathogenic (0 of 4 stars; one submission).

Conditions:
Hyperekplexia 1 (STHE). Also called: STARTLE DISEASE, FAMILIAL; STIFF-BABY SYNDROME; STIFF-MAN SYNDROME, CONGENITAL; STIFF-PERSON SYNDROME, CONGENITAL; EXAGGERATED STARTLE REACTION; KOK DISEASE. Identifiers: Orphanet 3197, MedGen C4551954, MONDO:0007868, OMIM 149400.

Submission:

GeneReviews
Classification: Pathogenic for Hyperekplexia. Last evaluated: 2012-10-04. Review status: no assertion criteria provided. Collection method: curation. Allele origin: unknown.
ClinVar note: Converted during submission from pathologic to Pathogenic.